The following is an entry in ClinVar:

ClinVar aggregate classification (germline): Uncertain significance (1 of 4 stars; one submission).

Conditions:
Pitt-Hopkins-like syndrome 2 (PTHSL2). Identifiers: Orphanet 221150, Orphanet 600663, MedGen C3280479, MONDO:0013690, OMIM 614325.

Submission:

Labcorp Genetics (formerly Invitae), Labcorp
Classification: Uncertain significance for Pitt-Hopkins-like syndrome 2. Last evaluated: 2021-07-08. Review status: criteria provided, single submitter. Criteria: Invitae Variant Classification Sherloc (09022015). Collection method: clinical testing. Allele origin: germline.
Comment: In summary, the available evidence is currently insufficient to determine the role of this variant in disease. Therefore, it has been classified as a Variant of Uncertain Significance. Experimental studies and prediction algorithms are not available or were not evaluated, and the functional significance of this variant is currently unknown. A similar copy number variant has been observed in individual(s) with clinical features of NRXN1-related conditions (PMID: 22617343, 23495017). This variant is a gross deletion of the genomic region encompassing exon(s) 19-20 of the NRXN1 gene. This variant would be expected to be in-frame, preserving the integrity of the reading frame.

Literature cited by the submitters: PubMed 22617343; PubMed 23495017.

NC_000002.11:g.(?_50318441)_(50464128_?)del

Gene: NRXN1 (neurexin 1; minus strand). Cytogenetic location: 2p16.3.
Variant type: Deletion.
Identifiers: ClinVar variation 1373638 (VCV001373638.4).